The following is an entry in ClinVar:

ClinVar aggregate classification (germline): Likely benign. Review status: criteria provided, multiple submitters, no conflicts (2 of 4 stars). 5 submissions from 5 submitters: Likely benign (5). Last evaluated 2026-08-01.

Conditions:
Familial thoracic aortic aneurysm and aortic dissection (TAAD). Also called: Thoracic aortic aneurysms and dissections. Identifiers: Orphanet 91387, MedGen C4707243, MONDO:0019625.
Frontometaphyseal dysplasia (FMD1). Identifiers: Orphanet 1826, MedGen C0265293, MONDO:0015942.
Melnick-Needles syndrome (MNS). Also called: Melnick-Needles Syndrome (FLNA-MNS); MELNICK-NEEDLES OSTEODYSPLASTY; OSTEODYSPLASTY OF MELNICK AND NEEDLES. Identifiers: Orphanet 2484, MedGen C0025237, MONDO:0010650, OMIM 309350.
Oto-palato-digital syndrome, type II (OPD2). Also called: Otopalatodigital Syndrome Type 2 (FLNA-OPD2); FACIOPALATOOSSEOUS SYNDROME; OPD II SYNDROME; Otopalatodigital Syndrome, Type II. Identifiers: Orphanet 669, Orphanet 90652, MedGen C1844696, MONDO:0010571, OMIM 304120.
Heterotopia, periventricular, X-linked dominant (PVNH1). Also called: PERIVENTRICULAR NODULAR HETEROTOPIA 4; HETEROTOPIA, PERIVENTRICULAR, 1; X-linked periventricular heterotopia; PERIVENTRICULAR NODULAR HETEROTOPIA 1. Identifiers: Orphanet 2149, Orphanet 82004, MedGen C1848213, MONDO:0010233, OMIM 300049.

Allele frequency attached by ClinVar (database versions not stated): ExAC 0.00001; gnomAD 0.00001; gnomAD exomes 0.00001 and 0.00002; TOPMed 0.00002.
gnomAD v4.1: 25 of 1,210,787 alleles (0.0021%); highest among the groups gnomAD compares: African/African-American, 0.0035%; no homozygotes.

Submissions (5):

CeGaT Center for Human Genetics Tuebingen
Classification: Likely benign. Last evaluated: 2026-08-01. Review status: criteria provided, single submitter. Criteria: CeGaT Center For Human Genetics Tuebingen Variant Classification Criteria Version 2. Collection method: clinical testing. Allele origin: germline. Affected: yes. Observed: 1 variant allele.
Comment: FLNA: BP4, BP7, BS2

Labcorp Genetics (formerly Invitae), Labcorp
Classification: Likely benign for Oto-palato-digital syndrome, type II; Heterotopia, periventricular, X-linked dominant; Frontometaphyseal dysplasia; Melnick-Needles syndrome. Last evaluated: 2025-07-27. Review status: criteria provided, single submitter. Criteria: Invitae Variant Classification Sherloc (09022015). Collection method: clinical testing. Allele origin: germline.

Blueprint Genetics
Classification: Likely benign. Last evaluated: 2022-10-19. Review status: criteria provided, single submitter. Criteria: ACMG Guidelines, 2015. Collection method: clinical testing. Allele origin: germline.

Ambry Genetics
Classification: Likely benign for Familial thoracic aortic aneurysm and aortic dissection. Last evaluated: 2022-10-14. Review status: criteria provided, single submitter. Criteria: Ambry Variant Classification Scheme 2023. Collection method: clinical testing. Allele origin: germline.

GeneDx
Classification: Likely benign. Last evaluated: 2017-02-23. Review status: criteria provided, single submitter. Criteria: GeneDx Variant Classification (06012015). Collection method: clinical testing. Allele origin: germline. Affected: yes.
Comment: This variant is considered likely benign or benign based on one or more of the following criteria: it is a conservative change, it occurs at a poorly conserved position in the protein, it is predicted to be benign by multiple in silico algorithms, and/or has population frequency not consistent with disease.

NM_001110556.2(FLNA):c.4896C>T (p.Tyr1632=)

Gene: FLNA (filamin A; minus strand). Cytogenetic location: Xq28.
Variant type: single nucleotide variant.
Coding change: c.4896C>T on transcript NM_001110556.2 (MANE Select); coding-DNA position 4896, C replaced by T.
Protein change: p.Tyr1632=; no amino-acid change (tyrosine 1632 retained).
Molecular consequence: synonymous variant.
Genome position (GRCh38, 1-based): chrX:154,357,483, G>A on the plus strand (C>T on the coding strand, the complement: FLNA is on the minus strand). VCF-style: chrX-154357483-G-A. GRCh37 (hg19) VCF-style: chrX-153585851-G-A.
Other names: c.4896C>T, p.Tyr1632= (NM_001456.4).
Identifiers: ClinVar variation 507644 (VCV000507644.13), dbSNP rs782235294, ClinGen allele CA10560449.